The following is an entry in ClinVar:

ClinVar aggregate classification (germline): Likely benign. Review status: criteria provided, multiple submitters, no conflicts (2 of 4 stars). 3 submissions from 3 submitters: Likely benign (3). Last evaluated 2025-12-21.

Conditions:
SCLT1-related disorder. Also called: SCLT1-related condition.

Allele frequency attached by ClinVar (database versions not stated): ExAC 0.00010; gnomAD exomes 0.00013; 1000 Genomes Project 30x 0.00016; 1000 Genomes Project 0.00020; TOPMed 0.00021; gnomAD 0.00024 and 0.00027; ESP Exome Variant Server 0.00031.
gnomAD v4.1: 128 of 1,568,536 alleles (0.0082%); highest among the groups gnomAD compares: Admixed American, 0.08%; no homozygotes.

Submissions (3):

Labcorp Genetics (formerly Invitae), Labcorp
Classification: Likely benign. Last evaluated: 2025-12-21. Review status: criteria provided, single submitter. Criteria: Invitae Variant Classification Sherloc (09022015). Collection method: clinical testing. Allele origin: germline.

PreventionGenetics, part of Exact Sciences
Classification: Likely benign for SCLT1-related condition. Last evaluated: 2024-10-14. Review status: criteria provided, single submitter. Criteria: ACMG Guidelines, 2015. Collection method: clinical testing. Allele origin: germline.
Comment: This variant is classified as likely benign based on ACMG/AMP sequence variant interpretation guidelines (Richards et al. 2015 PMID: 25741868, with internal and published modifications).

Blueprint Genetics
Classification: Likely benign. Last evaluated: 2023-08-23. Review status: criteria provided, single submitter. Criteria: ACMG Guidelines, 2015. Collection method: clinical testing. Allele origin: germline.

NM_144643.4(SCLT1):c.129C>T (p.Asp43=)

Gene: SCLT1 (sodium channel and clathrin linker 1; minus strand). Cytogenetic location: 4q28.2.
Variant type: single nucleotide variant.
Coding change: c.129C>T on transcript NM_144643.4 (MANE Select); coding-DNA position 129, C replaced by T.
Protein change: p.Asp43=; no amino-acid change (aspartic acid 43 retained).
Molecular consequence: synonymous variant.
Genome position (GRCh38, 1-based): chr4:129,044,025, G>A on the plus strand (C>T on the coding strand, the complement: SCLT1 is on the minus strand). VCF-style: chr4-129044025-G-A. GRCh37 (hg19) VCF-style: chr4-129965180-G-A.
Other names: c.129C>T, p.Asp43= (NM_001300897.2, NM_001300898.2); c.129C>T (NM_144643.3).
Identifiers: ClinVar variation 1552417 (VCV001552417.10), dbSNP rs143126188, ClinGen allele CA3080061.